The following is an entry in ClinVar:

ClinVar aggregate classification (germline): Pathogenic (1 of 4 stars; one submission).

Conditions:
Polycystic kidney disease 4 (PKD4). Also called: POLYCYSTIC KIDNEY DISEASE 4 WITH OR WITHOUT POLYCYSTIC LIVER DISEASE; Autosomal Recessive Polycystic Kidney Disease – PKHD1; POLYCYSTIC KIDNEY AND HEPATIC DISEASE 1; POLYCYSTIC KIDNEY DISEASE, INFANTILE, TYPE I; PKD3. Identifiers: MedGen C4540575, MONDO:0033004, OMIM 263200.

Submission:

Juno Genomics, Hangzhou Juno Genomics, Inc
Classification: Pathogenic for Polycystic kidney disease 4. Review status: criteria provided, single submitter. Criteria: ACMG Guidelines, 2015. Collection method: clinical testing. Allele origin: germline. Affected: yes.
Comment: Absent from controls (or at extremely low frequency if recessive) in Genome Aggregation Database, Exome Sequencing Project, 1000 Genomes Project, or Exome Aggregation Consortium.;Null variant in a gene where loss of function (LOF) is a known mechanism of disease.;For recessive disorders, detected in trans with a pathogenic variant.;Patient's phenotype or family history is highly specific for a disease with a single genetic etiology.

NM_138694.4(PKHD1):c.3530_3531del (p.Ser1177fs)

Gene: PKHD1 (PKHD1 ciliary IPT domain containing fibrocystin/polyductin; minus strand). Cytogenetic location: 6p12.2.
Variant type: Microsatellite.
Coding change: c.3530_3531del on transcript NM_138694.4 (MANE Select); coding-DNA positions 3530 to 3531, 2 bases deleted (CT; older notation c.3530_3531delCT).
Protein change: p.Ser1177fs; shifts the reading frame from serine 1177.
Molecular consequence: frameshift variant.
Genome position (GRCh38, 1-based): chr6:52,028,185-52,028,186, AG deleted on the plus strand (CT on the coding strand, the reverse complement: PKHD1 is on the minus strand); deleting any 2 consecutive bases within chr6:52,028,185-52,028,189 gives the same sequence; the c. name uses the placement nearest the transcript's 3' end. VCF-style (leftmost placement, unchanged base first): chr6-52028184-TAG-T. GRCh37 (hg19) VCF-style: chr6-51892982-TAG-T.
Other names: c.3530_3531del, p.Ser1177fs (NM_170724.3); short protein forms S1177fs.
Identifiers: ClinVar variation 3899363 (VCV003899363.2).